The following is an entry in ClinVar:

ClinVar aggregate classification (germline): Benign/Likely benign. Review status: criteria provided, multiple submitters, no conflicts (2 of 4 stars). 3 submissions from 3 submitters: Benign (1); Likely benign (2). Last evaluated 2024-06-20.

Conditions:
Hereditary cancer-predisposing syndrome. Also called: Neoplastic Syndromes, Hereditary; Hereditary Cancer Syndrome; Tumor predisposition; Hereditary neoplastic syndrome. Identifiers: Orphanet 140162, MedGen C0027672, MeSH D009386, MONDO:0015356.
Familial cancer of breast. Also called: Hereditary breast cancer; BREAST CANCER, FAMILIAL; hereditary breast carcinoma. Identifiers: Orphanet 227535, MedGen C0346153, MONDO:0016419, OMIM 114480. Disease mechanism: loss of function.
Ataxia-telangiectasia syndrome (AT). Also called: LOUIS-BAR SYNDROME; Cerebello-oculocutaneous telangiectasia; Immunodeficiency with ataxia telangiectasia; Ataxia-telangiectasia, complementation group D; AT, COMPLEMENTATION GROUP C; Ataxia-telangiectasia, complementation group E. Identifiers: Orphanet 100, MedGen C0004135, MONDO:0008840, OMIM 208900.

Submissions (3):

Myriad Genetics, Inc.
Classification: Benign for Familial cancer of breast. Last evaluated: 2024-06-20. Review status: criteria provided, single submitter. Criteria: Myriad Autosomal Dominant, Autosomal Recessive and X-Linked Classification Criteria (2023). Collection method: clinical testing. Allele origin: unknown.
Comment: This variant is considered benign. This variant is a silent/synonymous amino acid change and it is not expected to impact splicing.

Labcorp Genetics (formerly Invitae), Labcorp
Classification: Likely benign for Ataxia-telangiectasia syndrome. Last evaluated: 2023-12-15. Review status: criteria provided, single submitter. Criteria: Invitae Variant Classification Sherloc (09022015). Collection method: clinical testing. Allele origin: germline.

Ambry Genetics
Classification: Likely benign for Hereditary cancer-predisposing syndrome. Last evaluated: 2017-10-10. Review status: criteria provided, single submitter. Criteria: Ambry Variant Classification Scheme 2023. Collection method: clinical testing. Allele origin: germline.

NM_000051.4(ATM):c.8730C>A (p.Leu2910=)

Genes: C11orf65 (chromosome 11 open reading frame 65; minus strand), ATM (ATM serine/threonine kinase; plus strand). Cytogenetic location: 11q22.3.
Variant type: single nucleotide variant.
Coding change: c.8730C>A on transcript NM_000051.4 (MANE Select); coding-DNA position 8730, C replaced by A.
Protein change: p.Leu2910=; no amino-acid change (leucine 2910 retained).
Molecular consequence: synonymous variant. On other transcripts: intron variant (2).
Genome position (GRCh38, 1-based): chr11:108,353,824, C>A. VCF-style: chr11-108353824-C-A. GRCh37 (hg19) VCF-style: chr11-108224551-C-A.
Other names: c.8730C>A, p.Leu2910= (NM_001351834.2); c.640+32096G>T (NM_001330368.2); c.695-18532G>T (NM_001351110.2).
Identifiers: ClinVar variation 414564 (VCV000414564.21), dbSNP rs551041839, ClinGen allele CA16613519.